The following is an entry in ClinVar:

NM_000138.5(FBN1):c.7502_7508dup (p.Thr2503_Ile2504insTer)

Gene: FBN1 (fibrillin 1; minus strand). Cytogenetic location: 15q21.1.
Variant type: Duplication.
Coding change: c.7502_7508dup on transcript NM_000138.5 (MANE Select); coding-DNA positions 7502 to 7508, 7 bases duplicated (TTAACAC; older notation c.7502_7508dupTTAACAC).
Protein change: p.Thr2503_Ile2504insTer.
Molecular consequence: nonsense, inframe insertion.
Genome position (GRCh38, 1-based): chr15:48,422,014-48,422,020, GTGTTAA duplicated on the plus strand (TTAACAC on the coding strand, the reverse complement: FBN1 is on the minus strand). VCF-style (leftmost placement, unchanged base first): chr15-48422013-G-GGTGTTAA. GRCh37 (hg19) VCF-style: chr15-48714210-G-GGTGTTAA.
Identifiers: ClinVar variation 1453831 (VCV001453831.6), dbSNP rs2141222494, ClinGen allele CA2573150917.
Genomic context (GRCh38, chr15:48,422,013, plus strand): 5'-AATGCAGGACGTATGGTGTTGGGTAAATCCGGGAGGACATTTGCATGTGAAGCCGCCAAT[G>GGTGTTAA]GTGTTAACACATAGGAACTGGCAGTTGTGTTGCTTGGTTGCACACTCATCAAGATCTACA-3'

ClinVar aggregate classification (germline): Pathogenic (1 of 4 stars; one submission).

Conditions:
Marfan syndrome (MFS). Also called: MARFAN SYNDROME, TYPE I; Marfan syndrome type 1; Marfan's syndrome; Marfan syndrome, classic; FBN1-Related Marfan Syndrome. Identifiers: Orphanet 284963, Orphanet 558, MedGen C0024796, MONDO:0007947, OMIM 154700.
Familial thoracic aortic aneurysm and aortic dissection (TAAD). Also called: Thoracic aortic aneurysms and dissections. Identifiers: Orphanet 91387, MedGen C4707243, MONDO:0019625.

Submission:

Labcorp Genetics (formerly Invitae), Labcorp
Classification: Pathogenic for Marfan syndrome; Familial thoracic aortic aneurysm and aortic dissection. Last evaluated: 2021-02-09. Review status: criteria provided, single submitter. Criteria: Invitae Variant Classification Sherloc (09022015). Collection method: clinical testing. Allele origin: germline.
Comment: For these reasons, this variant has been classified as Pathogenic. This variant has not been reported in the literature in individuals with FBN1-related conditions. This variant is not present in population databases (ExAC no frequency). This sequence change creates a premature translational stop signal (p.Ile2504*) in the FBN1 gene. It is expected to result in an absent or disrupted protein product. Loss-of-function variants in FBN1 are known to be pathogenic (PMID: 17657824, 19293843).

Literature cited by the submitters: PubMed 17657824; PubMed 19293843.